The following is an entry in ClinVar:

ClinVar aggregate classification (germline): Likely pathogenic (1 of 4 stars; one submission).

Submission:

GeneDx
Classification: Likely pathogenic. Last evaluated: 2016-07-12. Review status: criteria provided, single submitter. Criteria: GeneDx Variant Classification (06012015). Collection method: clinical testing. Allele origin: germline. Affected: yes.
Comment: This deletion of one nucleotides in RAD51D is denoted c.587delC at the cDNA level and p.Ser196PhefsX5 (S196FfsX5) at the protein level. The surrounding sequence is GGTT[C]TTCA. The deletion causes a frameshift which changes a Serine to a Phenylalanine at codon 196, and creates a premature stop codon at position 5 of the new reading frame. Although this variant has not, to our knowledge, been reported in the literature, it is predicted to cause loss of normal protein function through either protein truncation or nonsense-mediated mRNA decay. Based on the currently available information, we consider this deletion to be a likely pathogenic variant.

NM_002878.4(RAD51D):c.587del (p.Ser196fs)

Genes: RAD51D (RAD51 paralog D; minus strand), RAD51L3-RFFL (RAD51L3-RFFL readthrough; minus strand). Cytogenetic location: 17q12.
Variant type: Deletion.
Coding change: c.587del on transcript NM_002878.4 (MANE Select); coding-DNA position 587, one base deleted (C; older notation c.587delC).
Protein change: p.Ser196fs; shifts the reading frame from serine 196.
Molecular consequence: frameshift variant. On other transcripts: non-coding transcript variant (3).
Genome position (GRCh38, 1-based): chr17:35,103,534, G deleted on the plus strand (C on the coding strand, the reverse complement: RAD51D is on the minus strand). VCF-style (leftmost placement, unchanged base first): chr17-35103533-AG-A. GRCh37 (hg19) VCF-style: chr17-33430552-AG-A.
Other names: c.647del, p.Ser216fs (NM_001142571.2); c.251del, p.Ser84fs (NM_133629.3); c.587delC (NM_002878.3); short protein forms S216fs, S196fs, S84fs.
Identifiers: ClinVar variation 421628 (VCV000421628.2), dbSNP rs1064795261, ClinGen allele CA16620385.